The following is an entry in ClinVar:

NM_001145715.3(KPNA7):c.637A>T (p.Ile213Phe)

Gene: KPNA7 (karyopherin subunit alpha 7; minus strand). Cytogenetic location: 7q22.1.
Variant type: single nucleotide variant.
Coding change: c.637A>T on transcript NM_001145715.3 (MANE Select); coding-DNA position 637, A replaced by T.
Protein change: p.Ile213Phe; replaces isoleucine 213 with phenylalanine.
Molecular consequence: missense variant.
Genome position (GRCh38, 1-based): chr7:99,188,563, T>A on the plus strand (A>T on the coding strand, the complement: KPNA7 is on the minus strand). VCF-style: chr7-99188563-T-A. GRCh37 (hg19) VCF-style: chr7-98786186-T-A.
Other names: short protein forms I213F.
Identifiers: ClinVar variation 2695237 (VCV002695237.3), dbSNP rs1789764617, ClinGen allele CA368420113.

ClinVar aggregate classification (germline): Uncertain significance (1 of 4 stars; one submission).

Submission:

Labcorp Genetics (formerly Invitae), Labcorp
Classification: Uncertain significance. Last evaluated: 2025-08-21. Review status: criteria provided, single submitter. Criteria: Invitae Variant Classification Sherloc (09022015). Collection method: clinical testing. Allele origin: germline.
Comment: This sequence change replaces isoleucine, which is neutral and non-polar, with phenylalanine, which is neutral and non-polar, at codon 213 of the KPNA7 protein (p.Ile213Phe). This variant is not present in population databases (gnomAD no frequency). This variant has not been reported in the literature in individuals affected with KPNA7-related conditions. ClinVar contains an entry for this variant (Variation ID: 2695237). An algorithm developed to predict the effect of missense changes on protein structure and function (PolyPhen-2) suggests that this variant is likely to be disruptive. Algorithms developed to predict the effect of sequence changes on RNA splicing suggest that this variant may disrupt the consensus splice site. In summary, the available evidence is currently insufficient to determine the role of this variant in disease. Therefore, it has been classified as a Variant of Uncertain Significance.